The following is an entry in ClinVar:

ClinVar aggregate classification (germline): Uncertain significance. Review status: criteria provided, multiple submitters, no conflicts (2 of 4 stars). 2 submissions from 2 submitters: Uncertain significance (2). Last evaluated 2025-07-16.

Conditions:
PKD1L1-related disorder. Also called: PKD1L1-related condition.
Inborn genetic diseases. Identifiers: MedGen C0950123, MeSH D030342.

gnomAD v4.1: 47 of 1,614,060 alleles (0.0029%); highest among the groups gnomAD compares: Admixed American, 0.018%; no homozygotes.

Submissions (2):

PreventionGenetics, part of Exact Sciences
Classification: Uncertain significance for PKD1L1-related condition. Last evaluated: 2025-07-16. Review status: criteria provided, single submitter. Criteria: ACMG Guidelines, 2015. Collection method: clinical testing. Allele origin: germline.
Comment: The PKD1L1 c.6557T>C variant is predicted to result in the amino acid substitution p.Met2186Thr. To our knowledge, this variant has not been reported in the literature. This variant is reported in 0.0087% of alleles in individuals of Latino descent in gnomAD. At this time, the clinical significance of this variant is uncertain due to the absence of conclusive functional and genetic evidence.

Ambry Genetics
Classification: Uncertain significance for Inborn genetic diseases. Last evaluated: 2025-05-30. Review status: criteria provided, single submitter. Criteria: Ambry Variant Classification Scheme 2023. Collection method: clinical testing. Allele origin: germline.

NM_138295.5(PKD1L1):c.6557T>C (p.Met2186Thr)

Gene: PKD1L1 (polycystin 1 like 1, transient receptor potential channel interacting; minus strand). Cytogenetic location: 7p12.3.
Variant type: single nucleotide variant.
Coding change: c.6557T>C on transcript NM_138295.5 (MANE Select); coding-DNA position 6557, T replaced by C.
Protein change: p.Met2186Thr; replaces methionine 2186 with threonine.
Molecular consequence: missense variant.
Genome position (GRCh38, 1-based): chr7:47,830,041, A>G on the plus strand (T>C on the coding strand, the complement: PKD1L1 is on the minus strand). VCF-style: chr7-47830041-A-G. GRCh37 (hg19) VCF-style: chr7-47869639-A-G.
Other names: short protein forms M2186T.
Identifiers: ClinVar variation 3932905 (VCV003932905.2).